The following is an entry in ClinVar:

NM_001014447.3(CPZ):c.36C>T (p.Val12=)

Gene: CPZ (carboxypeptidase Z; plus strand). Cytogenetic location: 4p16.1.
Variant type: single nucleotide variant.
Coding change: c.36C>T on transcript NM_001014447.3 (MANE Select); coding-DNA position 36, C replaced by T.
Protein change: p.Val12=; no amino-acid change (valine 12 retained).
Molecular consequence: synonymous variant. On other transcripts: 5 prime UTR variant (1).
Genome position (GRCh38, 1-based): chr4:8,592,869, C>T. VCF-style: chr4-8592869-C-T. GRCh37 (hg19) VCF-style: chr4-8594596-C-T.
Other names: c.-639C>T (NM_001014448.3); c.36C>T, p.Val12= (NM_003652.4).
Identifiers: ClinVar variation 2654658 (VCV002654658.24), dbSNP rs779266249, ClinGen allele CA2852952.
Genomic context (GRCh38, chr4:8,592,869, plus strand): 5'-GCCGTCCAAGGTCCGCCGCCCCACCATGCCGCCCCCGCTGCCGCTGCTGCTCCTTACAGT[C>T]CTGGTCGTCGCCGCTGCCCGGCCGGGGTGCGAGTTTGAGCGGAACCCCGCCGGTAAGGCC-3'
Protein context (NP_001014447.2, residues 2-22): PPPLPLLLLT[Val12=]LVVAAARPGC

ClinVar aggregate classification (germline): Likely benign (1 of 4 stars; one submission).

Allele frequency attached by ClinVar (database versions not stated): gnomAD 0.00011; gnomAD exomes 0.00012; TOPMed 0.00018; ExAC 0.00019.
gnomAD v4.1: 179 of 1,533,302 alleles (0.012%); highest among the groups gnomAD compares: Middle Eastern, 0.11%; no homozygotes.

Submission:

CeGaT Center for Human Genetics Tuebingen
Classification: Likely benign. Last evaluated: 2023-04-01. Review status: criteria provided, single submitter. Criteria: CeGaT Center For Human Genetics Tuebingen Variant Classification Criteria Version 2. Collection method: clinical testing. Allele origin: germline. Affected: yes. Observed: 1 variant allele.
Comment: CPZ: BP4, BP7